The following is an entry in ClinVar:

ClinVar aggregate classification (germline): Likely pathogenic. Review status: criteria provided, multiple submitters, no conflicts (2 of 4 stars). 2 submissions from 2 submitters: Likely pathogenic (2). Last evaluated 2024-09-25.

Conditions:
Diamond-Blackfan anemia 1 (DBA1). Also called: RPS19-Related Diamond-Blackfan Anemia; BLACKFAN-DIAMOND SYNDROME; ANEMIA, CONGENITAL HYPOPLASTIC, OF BLACKFAN AND DIAMOND; ANEMIA, CONGENITAL ERYTHROID HYPOPLASTIC; RED CELL APLASIA, PURE, HEREDITARY; AREGENERATIVE ANEMIA, CHRONIC CONGENITAL. Identifiers: Orphanet 124, MedGen C2676137, MONDO:0007110, OMIM 105650.
Diamond-Blackfan anemia. Also called: Blackfan Diamond syndrome; Aregenerative anemia chronic congenital; Red cell aplasia, pure hereditary; Congenital hypoplastic anemia; Aase syndrome. Identifiers: Orphanet 124, MedGen C1260899, MeSH D029503, MONDO:0015253, HP:0004810.

Submissions (2):

Institute of Medical Genetics and Applied Genomics, University Hospital Tübingen
Classification: Likely pathogenic for Diamond-Blackfan anemia 1. Last evaluated: 2024-09-25. Review status: criteria provided, single submitter. Criteria: ACMG Guidelines, 2015. Collection method: clinical testing. Allele origin: germline. Inheritance: Autosomal dominant inheritance. Affected: yes.

Broad Center for Mendelian Genomics, Broad Institute of MIT and Harvard
Classification: Likely pathogenic for Diamond-Blackfan anemia. Last evaluated: 2024-05-13. Review status: criteria provided, single submitter. Criteria: ACMG Guidelines, 2015. Collection method: curation. Allele origin: germline. Inheritance: Autosomal dominant inheritance.
Comment: This variant was reported in one individual with Diamond-Blackfan anemia, and was absent from large population studies (PMID: 25424902). This variant is assumed de novo in the individual, but maternity and paternity have not been confirmed (PMID: 25424902). The number of reported affected individuals with this variant is slightly greater than expected compared to non-affected individuals with this variant. Computational prediction tools and conservation analyses suggest that this variant may impact the protein, though this information is not predictive enough to determine pathogenicity. In vitro functional studies provide some evidence that the p.Asp118Gly variant may impact protein function in patient cells (PMID: 29766597). However, these types of assays may not accurately represent biological function. In summary, although additional studies are required to fully establish its clinical significance, this variant is likely pathogenic for autosomal dominant Diamond-Blackfan anemia. ACMG/AMP Criteria applied: PS4_Supporting, PM6, PM2_Supporting, PP3, PS3_Moderate (Richards 2015).

Literature cited by the submitters: PubMed 29766597 (cited by Broad Center for Mendelian Genomics, Broad Institute of MIT and Harvard).

NM_001022.4(RPS19):c.353A>G (p.Asp118Gly)

Genes: MIR6797 (microRNA 6797; plus strand), RPS19 (ribosomal protein S19; plus strand), RPS19-CD79A (RPS19-CD79A readthrough; plus strand). Cytogenetic location: 19q13.2.
Variant type: single nucleotide variant.
Coding change: c.353A>G on transcript NM_001022.4 (MANE Select); coding-DNA position 353, A replaced by G.
Protein change: p.Asp118Gly; replaces aspartic acid 118 with glycine.
Molecular consequence: missense variant. On other transcripts: synonymous variant (1).
Genome position (GRCh38, 1-based): chr19:41,869,211, A>G. VCF-style: chr19-41869211-A-G. GRCh37 (hg19) VCF-style: chr19-42373281-A-G.
Other names: NM_001321485.2:c.366A>G; c.353A>G, p.Asp118Gly (NM_001321483.2, NM_001321484.2); c.366A>G, p.Arg122= (NM_001321485.2); short protein forms D118G.
Identifiers: ClinVar variation 3236681 (VCV003236681.2), dbSNP rs2513683446, ClinGen allele CA406030619.